The following is an entry in ClinVar:

ClinVar aggregate classification (germline): Uncertain significance (1 of 4 stars; one submission).

Conditions:
Hereditary cancer-predisposing syndrome. Also called: Hereditary neoplastic syndrome; Tumor predisposition; Hereditary Cancer Syndrome; Neoplastic Syndromes, Hereditary. Identifiers: Orphanet 140162, MedGen C0027672, MeSH D009386, MONDO:0015356.

gnomAD v4.1: 1 of 1,612,642 alleles (0.000062%); no homozygotes.

Submission:

Ambry Genetics
Classification: Uncertain significance for Hereditary cancer-predisposing syndrome. Last evaluated: 2023-07-17. Review status: criteria provided, single submitter. Criteria: Ambry Variant Classification Scheme 2023. Collection method: clinical testing. Allele origin: germline.
Comment: The p.V220F variant (also known as c.658G>T) is located in coding exon 7 of the EPCAM gene. The valine at codon 220 is replaced by phenylalanine, an amino acid with highly similar properties. This change occurs in the first base pair of coding exon 7. This amino acid position is conserved. In addition, the in silico prediction for this alteration is inconclusive. Since supporting evidence is limited at this time, the clinical significance of this alteration remains unclear.

NM_002354.3(EPCAM):c.658G>T (p.Val220Phe)

Gene: EPCAM (epithelial cell adhesion molecule; plus strand). Cytogenetic location: 2p21.
Variant type: single nucleotide variant.
Coding change: c.658G>T on transcript NM_002354.3 (MANE Select); coding-DNA position 658, G replaced by T.
Protein change: p.Val220Phe; replaces valine 220 with phenylalanine.
Molecular consequence: missense variant.
Genome position (GRCh38, 1-based): chr2:47,379,769, G>T. VCF-style: chr2-47379769-G-T. GRCh37 (hg19) VCF-style: chr2-47606908-G-T.
Other names: short protein forms V220F.
Identifiers: ClinVar variation 2586731 (VCV002586731.2), dbSNP rs1257057505, ClinGen allele CA346724321.